The following is an entry in ClinVar:

ClinVar aggregate classification (germline): Likely benign (1 of 4 stars; one submission).

Allele frequency attached by ClinVar (database versions not stated): ESP Exome Variant Server 0.00185; ExAC 0.00228; 1000 Genomes Project 30x 0.00234; 1000 Genomes Project 0.00240.
gnomAD v4.1: 3,724 of 1,614,142 alleles (0.23%); highest among the groups gnomAD compares: Middle Eastern, 1.3%; 19 homozygotes.

Submission:

CeGaT Center for Human Genetics Tuebingen
Classification: Likely benign. Last evaluated: 2022-11-01. Review status: criteria provided, single submitter. Criteria: CeGaT Center For Human Genetics Tuebingen Variant Classification Criteria Version 2. Collection method: clinical testing. Allele origin: germline. Affected: yes. Observed: 1 variant allele.
Comment: NRDE2: BP4, BS2

NM_017970.4(NRDE2):c.2704C>T (p.Arg902Cys)

Gene: NRDE2 (NRDE-2, necessary for RNA interference, domain containing; minus strand). Cytogenetic location: 14q32.11.
Variant type: single nucleotide variant.
Coding change: c.2704C>T on transcript NM_017970.4 (MANE Select); coding-DNA position 2704, C replaced by T.
Protein change: p.Arg902Cys; replaces arginine 902 with cysteine.
Molecular consequence: missense variant.
Genome position (GRCh38, 1-based): chr14:90,288,671, G>A on the plus strand (C>T on the coding strand, the complement: NRDE2 is on the minus strand). VCF-style: chr14-90288671-G-A. GRCh37 (hg19) VCF-style: chr14-90755015-G-A.
Other names: short protein forms R902C.
Identifiers: ClinVar variation 2644448 (VCV002644448.24), dbSNP rs142250129, ClinGen allele CA7304975.